The following is an entry in ClinVar:

ClinVar aggregate classification (germline): Likely pathogenic (1 of 4 stars; one submission).

Submission:

GeneDx
Classification: Likely pathogenic. Last evaluated: 2026-02-07. Review status: criteria provided, single submitter. Criteria: GeneDx Variant Classification Process June 2021. Collection method: clinical testing. Allele origin: germline.
Comment: Not observed at significant frequency in large population cohorts (gnomAD); In silico analysis supports that this missense variant has a deleterious effect on protein structure/function; Has not been previously published as pathogenic or benign to our knowledge

NM_017617.5(NOTCH1):c.5033T>G (p.Leu1678Arg)

Gene: NOTCH1 (notch receptor 1; minus strand). Cytogenetic location: 9q34.3.
Variant type: single nucleotide variant.
Coding change: c.5033T>G on transcript NM_017617.5 (MANE Select); coding-DNA position 5033, T replaced by G.
Protein change: p.Leu1678Arg; replaces leucine 1678 with arginine.
Molecular consequence: missense variant.
Genome position (GRCh38, 1-based): chr9:136,503,316, A>C on the plus strand (T>G on the coding strand, the complement: NOTCH1 is on the minus strand). VCF-style: chr9-136503316-A-C. GRCh37 (hg19) VCF-style: chr9-139397768-A-C.
Other names: short protein forms L1678R.
Identifiers: ClinVar variation 4888021 (VCV004888021.1).